The following is an entry in ClinVar:

ClinVar aggregate classification (germline): Pathogenic (1 of 4 stars; one submission).

Submission:

Labcorp Genetics (formerly Invitae), Labcorp
Classification: Pathogenic. Last evaluated: 2018-09-05. Review status: criteria provided, single submitter. Criteria: Invitae Variant Classification Sherloc (09022015). Collection method: clinical testing. Allele origin: germline.
Comment: Loss-of-function variants in USH2A are known to be pathogenic (PMID: 10729113, 10909849, 20507924, 25649381). This sequence change creates a premature translational stop signal (p.Asn1129Leufs*13) in the USH2A gene. It is expected to result in an absent or disrupted protein product. This variant is not present in population databases (ExAC no frequency). This variant has not been reported in the literature in individuals with USH2A-related disease. For these reasons, this variant has been classified as Pathogenic.

Literature cited by the submitters: PubMed 10729113; PubMed 10909849; PubMed 20507924; PubMed 25649381.

NM_206933.4(USH2A):c.3384_3417del (p.Asn1129fs)

Genes: USH2A (usherin; minus strand), USH2A-AS1 (USH2A antisense RNA 1; plus strand). Cytogenetic location: 1q41.
Variant type: Deletion.
Coding change: c.3384_3417del on transcript NM_206933.4 (MANE Select); coding-DNA positions 3384 to 3417, 34 bases deleted.
Protein change: p.Asn1129fs; shifts the reading frame from asparagine 1129.
Molecular consequence: frameshift variant.
Genome position (GRCh38, 1-based): chr1:216,200,021-216,200,054, 34 bases deleted; deleting any 34 consecutive bases within chr1:216,200,021-216,200,055 gives the same sequence; the c. name uses the placement nearest the transcript's 3' end. GRCh37 (hg19): chr1:216,373,364-216,373,397.
Other names: c.3384_3417del, p.Asn1129fs (NM_007123.6); short protein forms N1129fs.
Identifiers: ClinVar variation 663600 (VCV000663600.6), dbSNP rs1572042851, ClinGen allele CA915942031.
Genomic context (GRCh38, chr1:216,200,020, plus strand): 5'-TAGGAATGATATAACTTAAAGTCAAGTTTCCCTCTGGGACCCCTGGTTTTGTCTTGTAAG[TGACAGCTACACTCCTTGTTGAACCATGCACATTG>T]GTGGTCTCAATGTAATAGGAATATTTGGTATATGGTAACAGGTCTGTGTCTAAGAAGTAT-3'